The following is an entry in ClinVar:

NM_017433.5(MYO3A):c.1643C>T (p.Pro548Leu)

Gene: MYO3A (myosin IIIA; plus strand). Cytogenetic location: 10p12.1.
Variant type: single nucleotide variant.
Coding change: c.1643C>T on transcript NM_017433.5 (MANE Select); coding-DNA position 1643, C replaced by T.
Protein change: p.Pro548Leu; replaces proline 548 with leucine.
Molecular consequence: missense variant.
Genome position (GRCh38, 1-based): chr10:26,096,461, C>T. VCF-style: chr10-26096461-C-T. GRCh37 (hg19) VCF-style: chr10-26385390-C-T.
Other names: short protein forms P548L.
Identifiers: ClinVar variation 505564 (VCV000505564.5), dbSNP rs143918373, ClinGen allele CA5444726.
Genomic context (GRCh38, chr10:26,096,461, plus strand): 5'-TTTTTTACTACATTTATGCTGGTTTGGCTGAAAAGAAGAAACTAGCCCATTACAAACTGC[C>T]TGAAAATAAGCCTCCCAGGTAATCTACCAGGTTGAGCTTTCATCAATAATACTTTCACTT-3'
Protein context (NP_059129.3, residues 538-558): EKKKLAHYKL[Pro548Leu]ENKPPRYLQN

ClinVar aggregate classification (germline): Uncertain significance. Review status: criteria provided, multiple submitters, no conflicts (2 of 4 stars). 2 submissions from 2 submitters: Uncertain significance (2). Last evaluated 2025-02-22.

Conditions:
Inborn genetic diseases. Identifiers: MedGen C0950123, MeSH D030342.

Allele frequency attached by ClinVar (database versions not stated): TOPMed 0.00002.
gnomAD v4.1: 24 of 1,613,530 alleles (0.0015%); highest among the groups gnomAD compares: Non-Finnish European, 0.0019%; no homozygotes.

Submissions (2):

Ambry Genetics
Classification: Uncertain significance for Inborn genetic diseases. Last evaluated: 2025-02-22. Review status: criteria provided, single submitter. Criteria: Ambry Variant Classification Scheme 2023. Collection method: clinical testing. Allele origin: germline.

Laboratory for Molecular Medicine, Mass General Brigham Personalized Medicine
Classification: Uncertain significance. Last evaluated: 2017-01-24. Review status: criteria provided, single submitter. Criteria: LMM Criteria. Collection method: clinical testing. Allele origin: germline. Observed: 1 variant allele.
Comment: The p.Pro548Leu variant in MYO3A has not been previously reported in individuals with hearing loss, but has been identified in 5/126754 European chromosomes by the Genome Aggregation Database (gnomAD; dbSNP rs143918373). Computational prediction tools and conservation analyses do not p rovide strong support for or against an impact to the protein. In summary, the c linical significance of the p.Pro548Leu variant is uncertain.